The following is an entry in ClinVar:

ClinVar aggregate classification (germline): Likely benign (1 of 4 stars; one submission).

Allele frequency attached by ClinVar (database versions not stated): 1000 Genomes Project 30x 0.00172; 1000 Genomes Project 0.00180; gnomAD 0.00440; ExAC 0.00459; ESP Exome Variant Server 0.00538; gnomAD exomes 0.00670.

Submission:

CeGaT Center for Human Genetics Tuebingen
Classification: Likely benign. Last evaluated: 2022-06-01. Review status: criteria provided, single submitter. Criteria: CeGaT Center For Human Genetics Tuebingen Variant Classification Criteria Version 2. Collection method: clinical testing. Allele origin: germline. Affected: yes. Observed: 1 variant allele.
Comment: BRME1: BP4

NM_001345843.2(BRME1):c.1913G>A (p.Arg638Gln)

Gene: BRME1 (break repair meiotic recombinase recruitment factor 1; minus strand). Cytogenetic location: 19p13.12.
Variant type: single nucleotide variant.
Coding change: c.1913G>A on transcript NM_001345843.2 (MANE Select); coding-DNA position 1913, G replaced by A.
Protein change: p.Arg638Gln; replaces arginine 638 with glutamine.
Molecular consequence: missense variant.
Genome position (GRCh38, 1-based): chr19:13,882,896, C>T on the plus strand (G>A on the coding strand, the complement: BRME1 is on the minus strand). VCF-style: chr19-13882896-C-T. GRCh37 (hg19) VCF-style: chr19-13993709-C-T.
Other names: c.1820G>A, p.Arg607Gln (NM_001345844.2, NM_024323.5); c.1559G>A, p.Arg520Gln (NM_001345846.2, NM_001393647.1); c.1466G>A, p.Arg489Gln (NM_001345847.2); c.638G>A, p.Arg213Gln (NM_001345848.2); c.1913G>A, p.Arg638Gln (NM_001393645.1, NM_001393646.1); c.545G>A, p.Arg182Gln (NM_001393648.1); short protein forms R182Q, R213Q, R489Q, R520Q, R607Q, R638Q.
Identifiers: ClinVar variation 2649401 (VCV002649401.24), dbSNP rs111386677, ClinGen allele CA9243549.